The following is an entry in ClinVar:

ClinVar aggregate classification (germline): Uncertain significance. Review status: criteria provided, multiple submitters, no conflicts (2 of 4 stars). 2 submissions from 2 submitters: Uncertain significance (2). Last evaluated 2025-09-04.

Conditions:
Hereditary cancer-predisposing syndrome. Also called: Tumor predisposition; Neoplastic Syndromes, Hereditary; Hereditary neoplastic syndrome; Hereditary Cancer Syndrome. Identifiers: Orphanet 140162, MedGen C0027672, MeSH D009386, MONDO:0015356.

Allele frequency attached by ClinVar (database versions not stated): gnomAD exomes below 0.00001; ExAC 0.00001; gnomAD 0.00001; 1000 Genomes Project 30x 0.00016; 1000 Genomes Project 0.00020.
gnomAD v4.1: 2 of 1,613,540 alleles (0.00012%); highest among the groups gnomAD compares: South Asian, 0.0022%; no homozygotes.

Submissions (2):

Ambry Genetics
Classification: Uncertain significance for Hereditary cancer-predisposing syndrome. Last evaluated: 2025-09-04. Review status: criteria provided, single submitter. Criteria: Ambry Variant Classification Scheme 2023. Collection method: clinical testing. Allele origin: germline.
Comment: The p.D513V variant (also known as c.1538A>T), located in coding exon 10 of the RAD50 gene, results from an A to T substitution at nucleotide position 1538. The aspartic acid at codon 513 is replaced by valine, an amino acid with highly dissimilar properties. This amino acid position is conserved. In addition, the in silico prediction for this alteration is inconclusive. Since supporting evidence is limited at this time, the clinical significance of this alteration remains unclear.

Labcorp Genetics (formerly Invitae), Labcorp
Classification: Uncertain significance for Hereditary cancer-predisposing syndrome. Last evaluated: 2022-08-18. Review status: criteria provided, single submitter. Criteria: Invitae Variant Classification Sherloc (09022015). Collection method: clinical testing. Allele origin: germline.
Comment: In summary, the available evidence is currently insufficient to determine the role of this variant in disease. Therefore, it has been classified as a Variant of Uncertain Significance. Algorithms developed to predict the effect of missense changes on protein structure and function (SIFT, PolyPhen-2, Align-GVGD) all suggest that this variant is likely to be tolerated. ClinVar contains an entry for this variant (Variation ID: 1018398). This variant has not been reported in the literature in individuals affected with RAD50-related conditions. This variant is present in population databases (rs529795802, gnomAD 0.003%). This sequence change replaces aspartic acid, which is acidic and polar, with valine, which is neutral and non-polar, at codon 513 of the RAD50 protein (p.Asp513Val).

NM_005732.4(RAD50):c.1538A>T (p.Asp513Val)

Gene: RAD50 (RAD50 double strand break repair protein; plus strand). Cytogenetic location: 5q31.1.
Variant type: single nucleotide variant.
Coding change: c.1538A>T on transcript NM_005732.4 (MANE Select); coding-DNA position 1538, A replaced by T.
Protein change: p.Asp513Val; replaces aspartic acid 513 with valine.
Molecular consequence: missense variant.
Genome position (GRCh38, 1-based): chr5:132,591,309, A>T. VCF-style: chr5-132591309-A-T. GRCh37 (hg19) VCF-style: chr5-131927001-A-T.
Other names: short protein forms D513V.
Identifiers: ClinVar variation 1018398 (VCV001018398.13), dbSNP rs529795802, ClinGen allele CA3405191.